The following is an entry in ClinVar:

ClinVar aggregate classification (germline): Uncertain significance. Review status: criteria provided, multiple submitters, no conflicts (2 of 4 stars). 3 submissions from 3 submitters: Uncertain significance (3). Last evaluated 2025-11-24.

Allele frequency attached by ClinVar (database versions not stated): gnomAD exomes 0.00001 and 0.00004; TOPMed 0.00002; gnomAD 0.00001; ExAC 0.00002; ESP Exome Variant Server 0.00008.
gnomAD v4.1: 67 of 1,607,366 alleles (0.0042%); highest among the groups gnomAD compares: Non-Finnish European, 0.0055%; no homozygotes.

Submissions (3):

Labcorp Genetics (formerly Invitae), Labcorp
Classification: Uncertain significance. Last evaluated: 2025-11-24. Review status: criteria provided, single submitter. Criteria: Invitae Variant Classification Sherloc (09022015). Collection method: clinical testing. Allele origin: germline.
Comment: This sequence change creates a premature translational stop signal (p.Gln12*) in the CTF1 gene. It is expected to result in an absent or disrupted protein product. However, the current clinical and genetic evidence is not sufficient to establish whether loss-of-function variants in CTF1 cause disease. This variant is present in population databases (rs369917781, gnomAD 0.002%). This variant has not been reported in the literature in individuals affected with CTF1-related conditions. ClinVar contains an entry for this variant (Variation ID: 544364). Algorithms developed to predict the effect of sequence changes on RNA splicing suggest that this variant may disrupt the consensus splice site. In summary, the available evidence is currently insufficient to determine the role of this variant in disease. Therefore, it has been classified as a Variant of Uncertain Significance.

Women's Health and Genetics/Laboratory Corporation of America, LabCorp
Classification: Uncertain significance. Last evaluated: 2019-09-23. Review status: criteria provided, single submitter. Criteria: LabCorp Variant Classification Summary - May 2015. Collection method: clinical testing. Allele origin: germline.
Comment: Variant summary: CTF1 c.34C>T (p.Gln12X) results in a premature termination codon, predicted to cause a truncation of the encoded protein or absence of the protein due to nonsense mediated decay. The spectrum of disease-causing mutations has not been well established for this gene, therefore, the impact of this truncating mutation is unclear. The variant allele was found at a frequency of 1.2e-05 in 250820 control chromosomes (gnomAD). The available data on variant occurrences in the general population are insufficient to allow any conclusion about variant significance. To our knowledge, no occurrence of c.34C>T in individuals affected with Cardiomyopathy and no experimental evidence demonstrating its impact on protein function have been reported. Three ClinVar submissions (evaluation after 2014) cite the variant as uncertain significance. Based on the evidence outlined above, the variant was classified as uncertain significance.

ARUP Laboratories, Molecular Genetics and Genomics, ARUP Laboratories
Classification: Uncertain significance. Last evaluated: 2017-08-07. Review status: criteria provided, single submitter. Criteria: ARUP Molecular Germline Variant Investigation Process. Collection method: clinical testing. Allele origin: germline.
Comment: The c.34C>T variant creates a termination codon in the CTF1 protein at codon 12 in exon 2, which is predicted to result in a truncated or absent protein product. This variant (rs369917781) has not been reported in the medical literature, gene specific variation databases, nor has it been previously identified by our laboratory. It is listed in the Genome Aggregation Database (gnomAD) with an overall population frequency of 0.001 percent (identified on 3 out of 245,588 chromosomes). Altogether, there is not enough evidence to classify the c.34C>T variant with certainty.

NM_001330.5(CTF1):c.34C>T (p.Gln12Ter)

Gene: CTF1 (cardiotrophin 1; plus strand). Cytogenetic location: 16p11.2.
Variant type: single nucleotide variant.
Coding change: c.34C>T on transcript NM_001330.5 (MANE Select); coding-DNA position 34, C replaced by T.
Protein change: p.Gln12Ter; replaces glutamine 12 with a stop codon.
Molecular consequence: nonsense. On other transcripts: non-coding transcript variant (1).
Genome position (GRCh38, 1-based): chr16:30,899,423, C>T. VCF-style: chr16-30899423-C-T. GRCh37 (hg19) VCF-style: chr16-30910744-C-T.
Other names: c.31C>T, p.Gln11Ter (NM_001142544.3); short protein forms Q12*, Q11*.
Identifiers: ClinVar variation 544364 (VCV000544364.17), dbSNP rs369917781, ClinGen allele CA8015464.